The following is an entry in ClinVar:

NM_000548.5(TSC2):c.45T>G (p.Phe15Leu)

Gene: TSC2 (TSC complex subunit 2; plus strand). Cytogenetic location: 16p13.3.
Variant type: single nucleotide variant.
Coding change: c.45T>G on transcript NM_000548.5 (MANE Select); coding-DNA position 45, T replaced by G.
Protein change: p.Phe15Leu; replaces phenylalanine 15 with leucine.
Molecular consequence: missense variant. On other transcripts: 5 prime UTR variant (1), intron variant (1).
Genome position (GRCh38, 1-based): chr16:2,048,660, T>G. VCF-style: chr16-2048660-T-G. GRCh37 (hg19) VCF-style: chr16-2098661-T-G.
Other names: c.45T>G, p.Phe15Leu (NM_001077183.3, NM_001114382.3, NM_001318827.2 and 13 more transcripts); c.-182T>G (NM_001318831.2, NM_001406682.1, NM_001406684.1 and 2 more transcripts); c.78T>G, p.Phe26Leu (NM_001318832.2); c.-772T>G (NM_001406680.1, NM_001406683.1, NM_001406687.1); c.-401T>G (NM_001406681.1); c.-1387T>G (NM_001406689.1, NM_001406690.1, NM_001406691.1 and 2 more transcripts); c.-1693T>G (NM_001406693.1); c.-1268T>G (NM_001406694.1, NM_001406695.1); and 3 more; short protein forms F15L, F26L.
Identifiers: ClinVar variation 1741816 (VCV001741816.2), dbSNP rs2548349074, ClinGen allele CA394300947.

ClinVar aggregate classification (germline): Uncertain significance (1 of 4 stars; one submission).

Conditions:
Hereditary cancer-predisposing syndrome. Also called: Hereditary Cancer Syndrome; Hereditary neoplastic syndrome; Neoplastic Syndromes, Hereditary; Tumor predisposition. Identifiers: Orphanet 140162, MedGen C0027672, MeSH D009386, MONDO:0015356.

Submission:

Ambry Genetics
Classification: Uncertain significance for Hereditary cancer-predisposing syndrome. Last evaluated: 2020-10-29. Review status: criteria provided, single submitter. Criteria: Ambry Variant Classification Scheme 2023. Collection method: clinical testing. Allele origin: germline.
Comment: The p.F15L variant (also known as c.45T>G), located in coding exon 1 of the TSC2 gene, results from a T to G substitution at nucleotide position 45. The phenylalanine at codon 15 is replaced by leucine, an amino acid with highly similar properties. This amino acid position is well conserved in available vertebrate species. In addition, the in silico prediction for this alteration is inconclusive. Since supporting evidence is limited at this time, the clinical significance of this alteration remains unclear.